The following is an entry in ClinVar:

ClinVar aggregate classification (germline): Uncertain significance (1 of 4 stars; one submission).

Conditions:
Werner syndrome (WRN). Identifiers: Orphanet 902, MedGen C0043119, MONDO:0010196, OMIM 277700.

Submission:

Labcorp Genetics (formerly Invitae), Labcorp
Classification: Uncertain significance for Werner syndrome. Last evaluated: 2019-06-01. Review status: criteria provided, single submitter. Criteria: Invitae Variant Classification Sherloc (09022015). Collection method: clinical testing. Allele origin: germline.
Comment: In summary, the available evidence is currently insufficient to determine the role of this variant in disease. Therefore, it has been classified as a Variant of Uncertain Significance. Algorithms developed to predict the effect of missense changes on protein structure and function do not agree on the potential impact of this missense change (SIFT: "Tolerated"; PolyPhen-2: "Benign"; Align-GVGD: "Class C0"). This variant has not been reported in the literature in individuals with WRN-related disease. This variant is not present in population databases (ExAC no frequency). This sequence change replaces alanine with serine at codon 925 of the WRN protein (p.Ala925Ser). The alanine residue is moderately conserved and there is a moderate physicochemical difference between alanine and serine.

NM_000553.6(WRN):c.2773G>T (p.Ala925Ser)

Gene: WRN (WRN RecQ like helicase; plus strand). Cytogenetic location: 8p12.
Variant type: single nucleotide variant.
Coding change: c.2773G>T on transcript NM_000553.6 (MANE Select); coding-DNA position 2773, G replaced by T.
Protein change: p.Ala925Ser; replaces alanine 925 with serine.
Molecular consequence: missense variant.
Genome position (GRCh38, 1-based): chr8:31,124,948, G>T. VCF-style: chr8-31124948-G-T. GRCh37 (hg19) VCF-style: chr8-30982464-G-T.
Other names: short protein forms A925S.
Identifiers: ClinVar variation 528154 (VCV000528154.6), dbSNP rs1554529233, ClinGen allele CA370917690.
Genomic context (GRCh38, chr8:31,124,948, plus strand): 5'-TAAAATTTTGTCTTGGGTAGAATCATCTTGTCTCATTTTGAGGACAAACAAGTACAAAAA[G>T]CCTCCTTGGGAATTATGGGAACTGAAAAATGCTGTGATAATTGCAGGTCCAGGTAAAGAT-3'
Protein context (NP_000544.2, residues 915-935): SHFEDKQVQK[Ala925Ser]SLGIMGTEKC